The following is an entry in ClinVar:

NM_004260.4(RECQL4):c.1443dup (p.Arg482fs)

Gene: RECQL4 (RecQ like helicase 4; minus strand). Cytogenetic location: 8q24.3.
Variant type: Duplication.
Coding change: c.1443dup on transcript NM_004260.4 (MANE Select); coding-DNA position 1443, one base duplicated (T; older notation c.1443dupT).
Protein change: p.Arg482fs; shifts the reading frame from arginine 482.
Molecular consequence: frameshift variant.
Genome position (GRCh38, 1-based): chr8:144,515,190, A duplicated on the plus strand (T on the coding strand, the reverse complement: RECQL4 is on the minus strand); the first of 3 consecutive A bases (chr8:144,515,190-144,515,192); duplicating any one gives the same sequence. VCF-style (leftmost placement, unchanged base first): chr8-144515189-G-GA. GRCh37 (hg19) VCF-style: chr8-145740573-G-GA.
Other names: c.1345dup, p.Arg450Serfs (NM_001413017.1, NM_001413020.1); c.1441dup, p.Arg482Serfs (NM_001413018.1, NM_001413019.1, NM_001413033.1 and 2 more transcripts); c.370dup, p.Arg125Serfs (NM_001413021.1, NM_001413022.1, NM_001413023.1 and 8 more transcripts); c.1312dup, p.Arg439Serfs (NM_001413025.1); c.304dup, p.Arg103Serfs (NM_001413027.1, NM_001413030.1, NM_001413031.1 and 2 more transcripts); c.1090dup, p.Arg365Serfs (NM_001413029.1); c.-27dup (NM_001413043.1); short protein forms R482fs.
Identifiers: ClinVar variation 2020485 (VCV002020485.4), dbSNP rs2538059415, ClinGen allele CA2580078811.
Genomic context (GRCh38, chr8:144,515,189, plus strand): 5'-AGCCCTGGCAGCCACGCTCACCAGACAGGATCCGCATGACTGCACGCTCCTGCCCAGGGC[G>GA]AAAGGCTTGGTGCCCCAGCTGCTCCAGGGCCTGGAACACCTCAGCCGGCGTCTCTGCAGA-3'

ClinVar aggregate classification (germline): Pathogenic (1 of 4 stars; one submission).

Conditions:
Baller-Gerold syndrome (BGS). Also called: CRANIOSYNOSTOSIS WITH RADIAL DEFECTS. Identifiers: Orphanet 1225, MedGen C0265308, MONDO:0009039, OMIM 218600.

Submission:

Labcorp Genetics (formerly Invitae), Labcorp
Classification: Pathogenic for Baller-Gerold syndrome. Last evaluated: 2022-07-30. Review status: criteria provided, single submitter. Criteria: Invitae Variant Classification Sherloc (09022015). Collection method: clinical testing. Allele origin: germline.
Comment: For these reasons, this variant has been classified as Pathogenic. This variant has not been reported in the literature in individuals affected with RECQL4-related conditions. This variant is not present in population databases (gnomAD no frequency). This sequence change creates a premature translational stop signal (p.Arg482Serfs*58) in the RECQL4 gene. It is expected to result in an absent or disrupted protein product. Loss-of-function variants in RECQL4 are known to be pathogenic (PMID: 12734318, 12952869).

Literature cited by the submitters: PubMed 12734318; PubMed 12952869.